The following is an entry in ClinVar:

NM_001036.6(RYR3):c.6435G>C (p.Met2145Ile)

Gene: RYR3 (ryanodine receptor 3; plus strand). Cytogenetic location: 15q14.
Variant type: single nucleotide variant.
Coding change: c.6435G>C on transcript NM_001036.6 (MANE Select); coding-DNA position 6435, G replaced by C.
Protein change: p.Met2145Ile; replaces methionine 2145 with isoleucine.
Molecular consequence: missense variant.
Genome position (GRCh38, 1-based): chr15:33,701,032, G>C. VCF-style: chr15-33701032-G-C. GRCh37 (hg19) VCF-style: chr15-33993233-G-C.
Other names: c.6435G>C, p.Met2145Ile (NM_001243996.4); c.6435G>C (NM_001036.3); short protein forms M2145I.
Identifiers: ClinVar variation 660257 (VCV000660257.8), dbSNP rs541189878, ClinGen allele CA7459560.

ClinVar aggregate classification (germline): Uncertain significance. Review status: criteria provided, multiple submitters, no conflicts (2 of 4 stars). 2 submissions from 2 submitters: Uncertain significance (2). Last evaluated 2025-02-24.

Conditions:
Epileptic encephalopathy. Identifiers: MedGen C0543888, HP:0200134.

Allele frequency attached by ClinVar (database versions not stated): ExAC 0.00001; gnomAD 0.00003 and 0.00004; gnomAD exomes 0.00005; TOPMed 0.00007; 1000 Genomes Project 30x 0.00031.
gnomAD v4.1: 38 of 1,613,534 alleles (0.0024%); highest among the groups gnomAD compares: Admixed American, 0.033%; 1 homozygote.

Submissions (2):

Ambry Genetics
Classification: Uncertain significance. Last evaluated: 2025-02-24. Review status: criteria provided, single submitter. Criteria: Ambry Variant Classification Scheme 2023. Collection method: clinical testing. Allele origin: germline.

Labcorp Genetics (formerly Invitae), Labcorp
Classification: Uncertain significance for Epileptic encephalopathy. Last evaluated: 2022-07-12. Review status: criteria provided, single submitter. Criteria: Invitae Variant Classification Sherloc (09022015). Collection method: clinical testing. Allele origin: germline.
Comment: This sequence change replaces methionine, which is neutral and non-polar, with isoleucine, which is neutral and non-polar, at codon 2145 of the RYR3 protein (p.Met2145Ile). This variant is present in population databases (rs541189878, gnomAD 0.03%). This variant has not been reported in the literature in individuals affected with RYR3-related conditions. ClinVar contains an entry for this variant (Variation ID: 660257). Algorithms developed to predict the effect of missense changes on protein structure and function are either unavailable or do not agree on the potential impact of this missense change (SIFT: "Deleterious"; PolyPhen-2: "Probably Damaging"; Align-GVGD: "Class C0"). In summary, the available evidence is currently insufficient to determine the role of this variant in disease. Therefore, it has been classified as a Variant of Uncertain Significance.